The following is an entry in ClinVar:

ClinVar aggregate classification (germline): Likely benign (1 of 4 stars; one submission).

Submission:

CeGaT Center for Human Genetics Tuebingen
Classification: Likely benign. Last evaluated: 2025-04-01. Review status: criteria provided, single submitter. Criteria: CeGaT Center For Human Genetics Tuebingen Variant Classification Criteria Version 2. Collection method: clinical testing. Allele origin: germline. Affected: yes. Observed: 1 variant allele.
Comment: DSPP: BP4, BP7

NM_014208.3(DSPP):c.3075T>C (p.Ser1025=)

Genes: DMP1-AS1 (DMP1 and DSPP antisense RNA 1; minus strand), DSPP (dentin sialophosphoprotein; plus strand). Cytogenetic location: 4q22.1.
Variant type: single nucleotide variant.
Coding change: c.3075T>C on transcript NM_014208.3 (MANE Select); coding-DNA position 3075, T replaced by C.
Protein change: p.Ser1025=; no amino-acid change (serine 1025 retained).
Molecular consequence: synonymous variant.
Genome position (GRCh38, 1-based): chr4:87,615,737, T>C. VCF-style: chr4-87615737-T-C. GRCh37 (hg19) VCF-style: chr4-88536889-T-C.
Identifiers: ClinVar variation 3905342 (VCV003905342.10).